The following is an entry in ClinVar:

ClinVar aggregate classification (germline): Pathogenic (1 of 4 stars; one submission).

Submission:

Labcorp Genetics (formerly Invitae), Labcorp
Classification: Pathogenic. Last evaluated: 2022-09-30. Review status: criteria provided, single submitter. Criteria: Invitae Variant Classification Sherloc (09022015). Collection method: clinical testing. Allele origin: germline.
Comment: For these reasons, this variant has been classified as Pathogenic. This variant has not been reported in the literature in individuals affected with DENND5A-related conditions. This variant is not present in population databases (gnomAD no frequency). This sequence change creates a premature translational stop signal (p.Tyr202Argfs*3) in the DENND5A gene. It is expected to result in an absent or disrupted protein product. Loss-of-function variants in DENND5A are known to be pathogenic (PMID: 27431290, 27866705).

Literature cited by the submitters: PubMed 27431290; PubMed 27866705.

NM_015213.4(DENND5A):c.603_604del (p.Tyr202fs)

Gene: DENND5A (DENN domain containing 5A; minus strand). Cytogenetic location: 11p15.4.
Variant type: Microsatellite.
Coding change: c.603_604del on transcript NM_015213.4 (MANE Select); coding-DNA positions 603 to 604, 2 bases deleted (CT; older notation c.603_604delCT).
Protein change: p.Tyr202fs; shifts the reading frame from tyrosine 202.
Molecular consequence: frameshift variant. On other transcripts: non-coding transcript variant (1).
Genome position (GRCh38, 1-based): chr11:9,204,005-9,204,006, AG deleted on the plus strand (CT on the coding strand, the reverse complement: DENND5A is on the minus strand); deleting any 2 consecutive bases within chr11:9,204,005-9,204,010 gives the same sequence; the c. name uses the placement nearest the transcript's 3' end. VCF-style (leftmost placement, unchanged base first): chr11-9204004-TAG-T. GRCh37 (hg19) VCF-style: chr11-9225551-TAG-T.
Other names: c.603_604del, p.Tyr202fs (NM_001243254.2); c.599_600CT[2], p.Tyr202Argfs (NM_001348748.1); c.531_532del, p.Tyr178fs (NM_001348749.2); c.315_316del, p.Tyr106fs (NM_001348750.2); short protein forms Y106fs, Y178fs, Y202fs.
Identifiers: ClinVar variation 2059744 (VCV002059744.4), dbSNP rs1317373402, ClinGen allele CA473254406.